The following is an entry in ClinVar:

ClinVar aggregate classification (germline): Uncertain significance (1 of 4 stars; one submission).

Allele frequency attached by ClinVar (database versions not stated): gnomAD 0.00003; ESP Exome Variant Server 0.00008; TOPMed 0.00002.
gnomAD v4.1: 27 of 1,613,348 alleles (0.0017%); highest among the groups gnomAD compares: Non-Finnish European, 0.0022%; no homozygotes.

Submission:

Labcorp Genetics (formerly Invitae), Labcorp
Classification: Uncertain significance. Last evaluated: 2025-07-22. Review status: criteria provided, single submitter. Criteria: Invitae Variant Classification Sherloc (09022015). Collection method: clinical testing. Allele origin: germline.
Comment: This sequence change replaces methionine, which is neutral and non-polar, with threonine, which is neutral and polar, at codon 346 of the DUOX2 protein (p.Met346Thr). This variant is present in population databases (rs375264413, gnomAD 0.006%). This variant has not been reported in the literature in individuals affected with DUOX2-related conditions. ClinVar contains an entry for this variant (Variation ID: 1900248). Invitae Evidence Modeling of protein sequence and biophysical properties (such as structural, functional, and spatial information, amino acid conservation, physicochemical variation, residue mobility, and thermodynamic stability) indicates that this missense variant is not expected to disrupt DUOX2 protein function with a negative predictive value of 80%. In summary, the available evidence is currently insufficient to determine the role of this variant in disease. Therefore, it has been classified as a Variant of Uncertain Significance.

NM_001363711.2(DUOX2):c.1037T>C (p.Met346Thr)

Gene: DUOX2 (dual oxidase 2; minus strand). Cytogenetic location: 15q21.1.
Variant type: single nucleotide variant.
Coding change: c.1037T>C on transcript NM_001363711.2 (MANE Select); coding-DNA position 1037, T replaced by C.
Protein change: p.Met346Thr; replaces methionine 346 with threonine.
Molecular consequence: missense variant.
Genome position (GRCh38, 1-based): chr15:45,110,431, A>G on the plus strand (T>C on the coding strand, the complement: DUOX2 is on the minus strand). VCF-style: chr15-45110431-A-G. GRCh37 (hg19) VCF-style: chr15-45402629-A-G.
Other names: c.1037T>C, p.Met346Thr (NM_014080.5); short protein forms M346T.
Identifiers: ClinVar variation 1900248 (VCV001900248.4), dbSNP rs375264413, ClinGen allele CA7538780.
Genomic context (GRCh38, chr15:45,110,431, plus strand): 5'-CAGCTCATTCTGCACCTTTCTTAGTGTGGTGCCCCTCTCTGCCAACCCCTCCCTCACCTC[A>G]TGTAGACACCAGGGGGCACCATGGTAGAGAAGAACTGCTCAGAGGCCACCACAAATTCCG-3'
Protein context (NP_001350640.1, residues 336-356): FSTMVPPGVY[Met346Thr]RNASCHFRKV